The following is an entry in ClinVar:

ClinVar aggregate classification (germline): Uncertain significance. Review status: criteria provided, multiple submitters, no conflicts (2 of 4 stars). 3 submissions from 3 submitters: Uncertain significance (3). Last evaluated 2026-08-02.

Conditions:
Hereditary cancer-predisposing syndrome. Also called: Hereditary Cancer Syndrome; Tumor predisposition; Hereditary neoplastic syndrome; Neoplastic Syndromes, Hereditary. Identifiers: Orphanet 140162, MedGen C0027672, MeSH D009386, MONDO:0015356.
Familial thoracic aortic aneurysm and aortic dissection (TAAD). Also called: Thoracic aortic aneurysms and dissections. Identifiers: Orphanet 91387, MedGen C4707243, MONDO:0019625.
Juvenile polyposis syndrome (JPS). Identifiers: Orphanet 2929, MedGen C0345893, MONDO:0017380, OMIM 174900.

gnomAD v4.1: 1 of 1,614,108 alleles (0.000062%); highest among the groups gnomAD compares: South Asian, 0.0011%; no homozygotes.

Submissions (3):

Ambry Genetics
Classification: Uncertain significance for Hereditary cancer-predisposing syndrome; Familial thoracic aortic aneurysm and aortic dissection. Last evaluated: 2026-08-02. Review status: criteria provided, single submitter. Criteria: Ambry Variant Classification Scheme 2023. Collection method: clinical testing. Allele origin: germline.
Comment: The p.I179F variant (also known as c.535A>T), located in coding exon 4 of the SMAD4 gene, results from an A to T substitution at nucleotide position 535. The isoleucine at codon 179 is replaced by phenylalanine, an amino acid with highly similar properties. This amino acid position is conserved. In addition, the in silico prediction for this alteration is inconclusive. Based on the available evidence, the clinical significance of this variant remains unclear.

Unidad de Genética Molecular HGU Elche, Hospital General Universitario de Elche
Classification: Uncertain significance for Hereditary cancer-predisposing syndrome. Last evaluated: 2025-05-05. Review status: criteria provided, single submitter. Criteria: ACMG Guidelines, 2015. Collection method: clinical testing. Allele origin: germline. Affected: yes.
Comment: PM2 supporting; PP2 supporting; BP4 supporting

Labcorp Genetics (formerly Invitae), Labcorp
Classification: Uncertain significance for Juvenile polyposis syndrome. Last evaluated: 2017-08-03. Review status: criteria provided, single submitter. Criteria: Invitae Variant Classification Sherloc (09022015). Collection method: clinical testing. Allele origin: germline.
Comment: In summary, the available evidence is currently insufficient to determine the role of this variant in disease. Therefore, it has been classified as a Variant of Uncertain Significance. Algorithms developed to predict the effect of missense changes on protein structure and function (SIFT, PolyPhen-2, Align-GVGD) all suggest that this variant is likely to be tolerated, but these predictions have not been confirmed by published functional studies and their clinical significance is uncertain. This variant has not been reported in the literature in individuals with SMAD4-related disease. This variant is not present in population databases (ExAC no frequency). This sequence change replaces isoleucine with phenylalanine at codon 179 of the SMAD4 protein (p.Ile179Phe). The isoleucine residue is highly conserved and there is a small physicochemical difference between isoleucine and phenylalanine.

NM_005359.6(SMAD4):c.535A>T (p.Ile179Phe)

Gene: SMAD4 (SMAD family member 4; plus strand). Cytogenetic location: 18q21.2.
Variant type: single nucleotide variant.
Coding change: c.535A>T on transcript NM_005359.6 (MANE Select); coding-DNA position 535, A replaced by T.
Protein change: p.Ile179Phe; replaces isoleucine 179 with phenylalanine.
Molecular consequence: missense variant.
Genome position (GRCh38, 1-based): chr18:51,054,861, A>T. VCF-style: chr18-51054861-A-T. GRCh37 (hg19) VCF-style: chr18-48581231-A-T.
Other names: short protein forms I179F.
Identifiers: ClinVar variation 529918 (VCV000529918.12), dbSNP rs542392980, ClinGen allele CA402460864.